The following is an entry in ClinVar:

NM_002291.3(LAMB1):c.3391+19C>T

Gene: LAMB1 (laminin subunit beta 1; minus strand). Cytogenetic location: 7q31.1.
Variant type: single nucleotide variant.
Coding change: c.3391+19C>T on transcript NM_002291.3 (MANE Select); 19 bases into the intron after coding-DNA position 3391, C replaced by T.
Molecular consequence: intron variant.
Genome position (GRCh38, 1-based): chr7:107,951,207, G>A on the plus strand (C>T on the coding strand, the complement: LAMB1 is on the minus strand). VCF-style: chr7-107951207-G-A. GRCh37 (hg19) VCF-style: chr7-107591652-G-A.
Identifiers: ClinVar variation 390856 (VCV000390856.10), dbSNP rs184075314, ClinGen allele CA4435338.

ClinVar aggregate classification (germline): Benign. Review status: criteria provided, multiple submitters, no conflicts (2 of 4 stars). 3 submissions from 3 submitters: Benign (3). Last evaluated 2026-01-25.

Allele frequency attached by ClinVar (database versions not stated): gnomAD exomes 0.00062 and 0.00166; ExAC 0.00199; gnomAD 0.00678 and 0.00728; 1000 Genomes Project 0.00719; 1000 Genomes Project 30x 0.00734; ESP Exome Variant Server 0.00769; TOPMed 0.00771.
gnomAD v4.1: 1,971 of 1,599,074 alleles (0.12%); highest among the groups gnomAD compares: African/African-American, 2.4%; 17 homozygotes.

Submissions (3):

Labcorp Genetics (formerly Invitae), Labcorp
Classification: Benign. Last evaluated: 2026-01-25. Review status: criteria provided, single submitter. Criteria: Invitae Variant Classification Sherloc (09022015). Collection method: clinical testing. Allele origin: germline.

GeneDx
Classification: Benign. Last evaluated: 2018-02-21. Review status: criteria provided, single submitter. Criteria: GeneDx Variant Classification (06012015). Collection method: clinical testing. Allele origin: germline. Affected: yes.
Comment: This variant is considered likely benign or benign based on one or more of the following criteria: it is a conservative change, it occurs at a poorly conserved position in the protein, it is predicted to be benign by multiple in silico algorithms, and/or has population frequency not consistent with disease.

Breakthrough Genomics
Classification: Benign. Review status: criteria provided, single submitter. Criteria: ACMG Guidelines, 2015. Collection method: not provided. Allele origin: germline. Inheritance: Autosomal recessive inheritance. Affected: yes.